The following is an entry in ClinVar:

NM_014874.4(MFN2):c.175+5G>A

Gene: MFN2 (mitofusin 2; plus strand). Cytogenetic location: 1p36.22.
Variant type: single nucleotide variant.
Coding change: c.175+5G>A on transcript NM_014874.4 (MANE Select); 5 bases into the intron after coding-DNA position 175, G replaced by A.
Molecular consequence: intron variant.
Genome position (GRCh38, 1-based): chr1:11,989,348, G>A. VCF-style: chr1-11989348-G-A. GRCh37 (hg19) VCF-style: chr1-12049405-G-A.
Other names: c.175+5G>A (NM_001127660.2).
Identifiers: ClinVar variation 2159499 (VCV002159499.4), dbSNP rs530397368, ClinGen allele CA598751.

ClinVar aggregate classification (germline): Uncertain significance (1 of 4 stars; one submission).

Conditions:
Charcot-Marie-Tooth disease type 2. Also called: Charcot-Marie-Tooth type 2. Identifiers: Orphanet 64746, MedGen C0270914, MONDO:0018993.

Allele frequency attached by ClinVar (database versions not stated): TOPMed below 0.00001; ExAC 0.00003; 1000 Genomes Project 0.00020; gnomAD 0.00001.
gnomAD v4.1: 31 of 1,613,682 alleles (0.0019%); highest among the groups gnomAD compares: South Asian, 0.025%; no homozygotes.

Submission:

Labcorp Genetics (formerly Invitae), Labcorp
Classification: Uncertain significance for Charcot-Marie-Tooth disease type 2. Last evaluated: 2022-09-25. Review status: criteria provided, single submitter. Criteria: Invitae Variant Classification Sherloc (09022015). Collection method: clinical testing. Allele origin: germline.
Comment: This sequence change falls in intron 3 of the MFN2 gene. It does not directly change the encoded amino acid sequence of the MFN2 protein. It affects a nucleotide within the consensus splice site. In summary, the available evidence is currently insufficient to determine the role of this variant in disease. Therefore, it has been classified as a Variant of Uncertain Significance. Variants that disrupt the consensus splice site are a relatively common cause of aberrant splicing (PMID: 17576681, 9536098). Algorithms developed to predict the effect of sequence changes on RNA splicing suggest that this variant is not likely to affect RNA splicing. This variant has not been reported in the literature in individuals affected with MFN2-related conditions. This variant is present in population databases (rs530397368, gnomAD 0.03%).

Literature cited by the submitters: PubMed 17576681; PubMed 9536098.